The following is an entry in ClinVar:

ClinVar aggregate classification (germline): Pathogenic (1 of 4 stars; one submission).

Conditions:
Inborn genetic diseases. Identifiers: MedGen C0950123, MeSH D030342.

Submission:

Ambry Genetics
Classification: Pathogenic for Inborn genetic diseases. Last evaluated: 2023-12-19. Review status: criteria provided, single submitter. Criteria: Ambry Variant Classification Scheme 2023. Collection method: clinical testing. Allele origin: germline.
Comment: The c.7470+2dupT intronic variant results from duplication of T two nucleotides after coding exon 7 of the ANKRD11 gene. Alterations that disrupt the canonical splice site are expected to cause aberrant splicing, resulting in an abnormal protein or a transcript that is subject to nonsense-mediated mRNA decay. This variant was not reported in population-based cohorts in the Genome Aggregation Database (gnomAD). This nucleotide position is highly conserved in available vertebrate species. In silico splice site analysis predicts that this alteration will weaken the native splice donor site. Based on the available evidence, this alteration is classified as pathogenic.

NM_013275.6(ANKRD11):c.7470+2dup

Gene: ANKRD11 (ankyrin repeat domain containing 11; minus strand). Cytogenetic location: 16q24.3.
Variant type: Duplication.
Coding change: c.7470+2dup on transcript NM_013275.6 (MANE Select); the canonical splice donor site of the intron after coding-DNA position 7470, one base duplicated (T; older notation c.7470+2dupT).
Molecular consequence: splice donor variant.
Genome position (GRCh38, 1-based): chr16:89,279,070, A duplicated on the plus strand (T on the coding strand, the reverse complement: ANKRD11 is on the minus strand). VCF-style (leftmost placement, unchanged base first): chr16-89279069-C-CA. GRCh37 (hg19) VCF-style: chr16-89345477-C-CA.
Other names: c.7470+2dup (NM_001256183.2, NM_001256182.2).
Identifiers: ClinVar variation 3122632 (VCV003122632.1), dbSNP rs2544218247, ClinGen allele CA2825002462.
Genomic context (GRCh38, chr16:89,279,069, plus strand): 5'-ACTAGGGGCCCCAGACGCATCCCAGAGAGAGAAGGCAGTGGCTCTCCCGGGCCCCGCACT[C>CA]ACCACGGGGATGTGGAGCTTGCTGAGCGGCTTGCCGTCCAGGAGGTAGGAGCCCGTGTAG-3'